The following is an entry in ClinVar:

ClinVar aggregate classification (germline): Uncertain significance (1 of 4 stars; one submission).

Submission:

GeneDx
Classification: Uncertain significance. Last evaluated: 2024-01-29. Review status: criteria provided, single submitter. Criteria: GeneDx Variant Classification Process June 2021. Collection method: clinical testing. Allele origin: germline. Affected: yes.
Comment: Not observed at significant frequency in large population cohorts (gnomAD); In silico analysis supports that this missense variant does not alter protein structure/function; Has not been previously published as pathogenic or benign to our knowledge

NM_016247.4(IMPG2):c.587C>T (p.Thr196Ile)

Gene: IMPG2 (interphotoreceptor matrix proteoglycan 2; minus strand). Cytogenetic location: 3q12.3.
Variant type: single nucleotide variant.
Coding change: c.587C>T on transcript NM_016247.4 (MANE Select); coding-DNA position 587, C replaced by T.
Protein change: p.Thr196Ile; replaces threonine 196 with isoleucine.
Molecular consequence: missense variant.
Genome position (GRCh38, 1-based): chr3:101,275,742, G>A on the plus strand (C>T on the coding strand, the complement: IMPG2 is on the minus strand). VCF-style: chr3-101275742-G-A. GRCh37 (hg19) VCF-style: chr3-100994586-G-A.
Other names: short protein forms T196I.
Identifiers: ClinVar variation 3368265 (VCV003368265.1).